The following is an entry in ClinVar:

NM_004415.4(DSP):c.2085C>T (p.Asp695=)

Gene: DSP (desmoplakin; plus strand). Cytogenetic location: 6p24.3.
Variant type: single nucleotide variant.
Coding change: c.2085C>T on transcript NM_004415.4 (MANE Select); coding-DNA position 2085, C replaced by T.
Protein change: p.Asp695=; no amino-acid change (aspartic acid 695 retained).
Molecular consequence: synonymous variant.
Genome position (GRCh38, 1-based): chr6:7,572,023, C>T. VCF-style: chr6-7572023-C-T. GRCh37 (hg19) VCF-style: chr6-7572256-C-T.
Other names: c.2085C>T, p.Asp695= (NM_001008844.3, NM_001319034.2).
Identifiers: ClinVar variation 921671 (VCV000921671.3), dbSNP rs751917053, ClinGen allele CA031618.
Genomic context (GRCh38, chr6:7,572,023, plus strand): 5'-TCGCAGGCAGATAGAGCACTGCGAGGGCAGGATGACTCTCAAAAACCTCCCTCTAGCAGA[C>T]CAGGGATCTTCTCACCACATCACAGTGAAAATTAACGAGCTTAAGGTAGGTATCTGCTAG-3'
Protein context (NP_004406.2, residues 685-705): RMTLKNLPLA[Asp695=]QGSSHHITVK

ClinVar aggregate classification (germline): Likely benign. Review status: criteria provided, multiple submitters, no conflicts (2 of 4 stars). 2 submissions from 2 submitters: Likely benign (2). Last evaluated 2023-12-13.

Conditions:
Arrhythmogenic cardiomyopathy with wooly hair and keratoderma. Also called: PALMOPLANTAR KERATODERMA WITH LEFT VENTRICULAR CARDIOMYOPATHY AND WOOLLY HAIR; Carvajal syndrome; Dilated cardiomyopathy with woolly hair and keratoderma; Arrhythmogenic cardiomyopathy with woolly hair and keratoderma. Identifiers: Orphanet 65282, MedGen C1854063, MONDO:0011581, OMIM 605676.
Cardiomyopathy (CMYO). Also called: Cardiomyopathies. Identifiers: Orphanet 167848, MedGen C0878544, MONDO:0004994, HP:0001638. Inheritance: Various modes of inheritance.

Allele frequency attached by ClinVar (database versions not stated): gnomAD exomes below 0.00001; ExAC 0.00001.
gnomAD v4.1: 1 of 1,614,092 alleles (0.000062%); highest among the groups gnomAD compares: Non-Finnish European, 0.000085%; no homozygotes.

Submissions (2):

All of Us Research Program, National Institutes of Health
Classification: Likely benign for Arrhythmogenic cardiomyopathy with wooly hair and keratoderma. Last evaluated: 2023-12-13. Review status: criteria provided, single submitter. Criteria: ACMG Guidelines, 2015. Collection method: clinical testing. Allele origin: germline. Inheritance: Autosomal dominant inheritance. Observed: 1 variant allele, 1 heterozygote.
Comment: This study involves interpretation of variants in research participants for the purpose of population health screening. Participant phenotype was not available at the time of variant classification. Additional details can be found in publication PMID: 35346344, PMCID: PMC8962531

Color Diagnostics, LLC DBA Color Health
Classification: Likely benign for Cardiomyopathy. Last evaluated: 2019-08-20. Review status: criteria provided, single submitter. Criteria: ACMG Guidelines, 2015. Collection method: clinical testing. Allele origin: germline.